The following is an entry in ClinVar:

ClinVar aggregate classification (germline): Uncertain significance (1 of 4 stars; one submission).

gnomAD v4.1: 1 of 1,613,950 alleles (0.000062%); highest among the groups gnomAD compares: South Asian, 0.0011%; no homozygotes.

Submission:

Women's Health and Genetics/Laboratory Corporation of America, LabCorp
Classification: Uncertain significance. Last evaluated: 2026-05-28. Review status: criteria provided, single submitter. Criteria: LabCorp Variant Classification Summary - May 2015. Collection method: clinical testing. Allele origin: germline.
Comment: Variant summary: AP4E1 c.478A>G (p.Ile160Val) results in a conservative amino acid change in the encoded protein sequence. Algorithms developed to predict the effect of missense changes on protein structure and function are either unavailable or do not agree on the potential impact of this missense change. The variant was absent in 251384 control chromosomes. The available data on variant occurrences in the general population are insufficient to allow any conclusion about variant significance. To our knowledge, no occurrence of c.478A>G in individuals affected with AP4E1-related conditions and no experimental evidence demonstrating its impact on protein function have been reported. No submitters have cited clinical-significance assessments for this variant to ClinVar. Based on the evidence outlined above, the variant was classified as uncertain significance.

NM_007347.5(AP4E1):c.478A>G (p.Ile160Val)

Gene: AP4E1 (adaptor related protein complex 4 subunit epsilon 1; plus strand). Cytogenetic location: 15q21.2.
Variant type: single nucleotide variant.
Coding change: c.478A>G on transcript NM_007347.5 (MANE Select); coding-DNA position 478, A replaced by G.
Protein change: p.Ile160Val; replaces isoleucine 160 with valine.
Molecular consequence: missense variant.
Genome position (GRCh38, 1-based): chr15:50,925,155, A>G. VCF-style: chr15-50925155-A-G. GRCh37 (hg19) VCF-style: chr15-51217352-A-G.
Other names: c.253A>G, p.Ile85Val (NM_001252127.2); short protein forms I160V, I85V.
Identifiers: ClinVar variation 4853357 (VCV004853357.1).
Genomic context (GRCh38, chr15:50,925,155, plus strand): 5'-CAGGATCTGCAGAGCACTAACCTAGTAGAAGTGTGTATGGCACTGACTGTTGTTAGCCAG[A>G]TTTTCCCCTGCGAAATGATTCCAGCTGTTCTTCCATTAATAGAAGATAAACTTCAACATT-3'
Protein context (NP_031373.2, residues 150-170): VCMALTVVSQ[Ile160Val]FPCEMIPAVL